The following is an entry in ClinVar:

NM_001987.5(ETV6):c.261T>G (p.Phe87Leu)

Genes: ETV6 (ETS variant transcription factor 6; plus strand), LOC126861451 (BRD4-independent group 4 enhancer GRCh37_chr12:11991350-11992549; plus strand). Cytogenetic location: 12p13.2.
Variant type: single nucleotide variant.
Coding change: c.261T>G on transcript NM_001987.5 (MANE Select); coding-DNA position 261, T replaced by G.
Protein change: p.Phe87Leu; replaces phenylalanine 87 with leucine.
Molecular consequence: missense variant. On other transcripts: 5 prime UTR variant (1).
Genome position (GRCh38, 1-based): chr12:11,839,237, T>G. VCF-style: chr12-11839237-T-G. GRCh37 (hg19) VCF-style: chr12-11992171-T-G.
Other names: c.258T>G, p.Phe86Leu (NM_001413913.1); c.234T>G, p.Phe78Leu (NM_001413914.1); c.-4T>G (NM_001413915.1); c.261T>G, p.Phe87Leu (NM_001413916.1, NM_001413917.1, NM_001413918.1); short protein forms F87L, F78L, F86L.
Identifiers: ClinVar variation 5036186 (VCV005036186.1).

ClinVar aggregate classification (germline): Uncertain significance (1 of 4 stars; one submission).

Conditions:
Inborn genetic diseases. Identifiers: MedGen C0950123, MeSH D030342.

Submission:

Ambry Genetics
Classification: Uncertain significance for Inborn genetic diseases. Last evaluated: 2026-07-07. Review status: criteria provided, single submitter. Criteria: Ambry Variant Classification Scheme 2023. Collection method: clinical testing. Allele origin: germline.
Comment: The p.F87L variant (also known as c.261T>G), located in coding exon 3 of the ETV6 gene, results from a T to G substitution at nucleotide position 261. The phenylalanine at codon 87 is replaced by leucine, an amino acid with highly similar properties. This amino acid position is conserved. In addition, the in silico prediction for this alteration is inconclusive. Based on the available evidence, the clinical significance of this variant remains unclear.